The following is an entry in ClinVar:

ClinVar aggregate classification (germline): Uncertain significance (1 of 4 stars; one submission).

Submission:

GeneDx
Classification: Uncertain significance. Last evaluated: 2024-04-29. Review status: criteria provided, single submitter. Criteria: GeneDx Variant Classification Process June 2021. Collection method: clinical testing. Allele origin: germline. Affected: yes.
Comment: Not observed at significant frequency in large population cohorts (gnomAD); In silico analysis supports that this missense variant has a deleterious effect on protein structure/function; Has not been previously published as pathogenic or benign to our knowledge

NM_006015.6(ARID1A):c.3973C>G (p.Pro1325Ala)

Gene: ARID1A (AT-rich interaction domain 1A; plus strand). Cytogenetic location: 1p36.11.
Variant type: single nucleotide variant.
Coding change: c.3973C>G on transcript NM_006015.6 (MANE Select); coding-DNA position 3973, C replaced by G.
Protein change: p.Pro1325Ala; replaces proline 1325 with alanine.
Molecular consequence: missense variant.
Genome position (GRCh38, 1-based): chr1:26,773,686, C>G. VCF-style: chr1-26773686-C-G. GRCh37 (hg19) VCF-style: chr1-27100177-C-G.
Other names: c.3973C>G, p.Pro1325Ala (NM_139135.4); short protein forms P1325A.
Identifiers: ClinVar variation 3373195 (VCV003373195.1).